The following is an entry in ClinVar:

NM_001042492.3(NF1):c.442A>G (p.Asn148Asp)

Gene: NF1 (neurofibromin 1; plus strand). Cytogenetic location: 17q11.2.
Variant type: single nucleotide variant.
Coding change: c.442A>G on transcript NM_001042492.3 (MANE Select); coding-DNA position 442, A replaced by G.
Protein change: p.Asn148Asp; replaces asparagine 148 with aspartic acid.
Molecular consequence: missense variant.
Genome position (GRCh38, 1-based): chr17:31,163,339, A>G. VCF-style: chr17-31163339-A-G. GRCh37 (hg19) VCF-style: chr17-29490357-A-G.
Other names: c.442A>G, p.Asn148Asp (NM_000267.4, NM_001128147.3); short protein forms N148D.
Identifiers: ClinVar variation 5025624 (VCV005025624.1).

ClinVar aggregate classification (germline): Uncertain significance (1 of 4 stars; one submission).

Conditions:
Cardiovascular phenotype. Identifiers: MedGen CN230736.
Hereditary cancer-predisposing syndrome. Also called: Neoplastic Syndromes, Hereditary; Tumor predisposition; Hereditary neoplastic syndrome; Hereditary Cancer Syndrome. Identifiers: Orphanet 140162, MedGen C0027672, MeSH D009386, MONDO:0015356.

Submission:

Ambry Genetics
Classification: Uncertain significance for Cardiovascular phenotype; Hereditary cancer-predisposing syndrome. Last evaluated: 2026-08-18. Review status: criteria provided, single submitter. Criteria: Ambry Variant Classification Scheme 2023. Collection method: clinical testing. Allele origin: germline.
Comment: The p.N148D variant (also known as c.442A>G), located in coding exon 4 of the NF1 gene, results from an A to G substitution at nucleotide position 442. The asparagine at codon 148 is replaced by aspartic acid, an amino acid with highly similar properties. This amino acid position is highly conserved in available vertebrate species. In addition, the in silico prediction for this alteration is inconclusive. Based on the available evidence, the clinical significance of this variant remains unclear.